The following is an entry in ClinVar:

ClinVar aggregate classification (germline): Conflicting classifications of pathogenicity. Review status: criteria provided, conflicting classifications (1 of 4 stars). 2 submissions from 2 submitters: Uncertain significance (1); Likely benign (1). Last evaluated 2025-02-22.

Conditions:
Inborn genetic diseases. Identifiers: MedGen C0950123, MeSH D030342.
Congenital fibrosis of extraocular muscles type 1. Also called: CFEOM3B; BLEPHAROPTOSIS WITH ABSENT EYE MOVEMENTS; OPHTHALMOPLEGIA, CONGENITAL; FEOM1 LOCUS. Identifiers: MedGen C1851102, MONDO:0021083, OMIM 135700.

Allele frequency attached by ClinVar (database versions not stated): TOPMed 0.00003.
gnomAD v4.1: 74 of 1,613,602 alleles (0.0046%); highest among the groups gnomAD compares: East Asian, 0.011%; no homozygotes.

Submissions (2):

Ambry Genetics
Classification: Uncertain significance for Inborn genetic diseases. Last evaluated: 2025-02-22. Review status: criteria provided, single submitter. Criteria: Ambry Variant Classification Scheme 2023. Collection method: clinical testing. Allele origin: germline.

Illumina Laboratory Services, Illumina
Classification: Likely benign for Congenital fibrosis of extraocular muscles type 1. Last evaluated: 2018-01-12. Review status: criteria provided, single submitter. Criteria: ICSL Variant Classification Criteria 13 December 2019. Collection method: clinical testing. Allele origin: germline.
Comment: This variant was observed in the ICSL laboratory as part of a predisposition screen in an ostensibly healthy population. It had not been previously curated by ICSL or reported in the Human Gene Mutation Database (HGMD: prior to June 1st, 2018), and was therefore a candidate for classification through an automated scoring system. Utilizing variant allele frequency, disease prevalence and penetrance estimates, and inheritance mode, an automated score was calculated to assess if this variant is too frequent to cause the disease. Based on the score and internal cut-off values, a variant classified as likely benign is not then subjected to further curation. The score for this variant resulted in a classification of likely benign for this disease.

NM_001173464.2(KIF21A):c.2492C>T (p.Thr831Met)

Gene: KIF21A (kinesin family member 21A; minus strand). Cytogenetic location: 12q12.
Variant type: single nucleotide variant.
Coding change: c.2492C>T on transcript NM_001173464.2 (MANE Select); coding-DNA position 2492, C replaced by T.
Protein change: p.Thr831Met; replaces threonine 831 with methionine.
Molecular consequence: missense variant.
Genome position (GRCh38, 1-based): chr12:39,333,103, G>A on the plus strand (C>T on the coding strand, the complement: KIF21A is on the minus strand). VCF-style: chr12-39333103-G-A. GRCh37 (hg19) VCF-style: chr12-39726905-G-A.
Other names: c.2453C>T, p.Thr818Met (NM_001173463.2, NM_017641.4); c.2384C>T, p.Thr795Met (NM_001173465.2); short protein forms T818M, T831M, T795M.
Identifiers: ClinVar variation 308570 (VCV000308570.6), dbSNP rs764601859, ClinGen allele CA6510771.